The following is an entry in ClinVar:

NM_002047.4(GARS1):c.1067A>G (p.Asp356Gly)

Gene: GARS1 (glycyl-tRNA synthetase 1; plus strand). Cytogenetic location: 7p14.3.
Variant type: single nucleotide variant.
Coding change: c.1067A>G on transcript NM_002047.4 (MANE Select); coding-DNA position 1067, A replaced by G.
Protein change: p.Asp356Gly; replaces aspartic acid 356 with glycine.
Molecular consequence: missense variant.
Genome position (GRCh38, 1-based): chr7:30,615,931, A>G. VCF-style: chr7-30615931-A-G. GRCh37 (hg19) VCF-style: chr7-30655547-A-G.
Other names: c.905A>G, p.Asp302Gly (NM_001316772.1); short protein forms D302G, D356G.
Identifiers: ClinVar variation 2166875 (VCV002166875.5), dbSNP rs1166179728, ClinGen allele CA367126006.

ClinVar aggregate classification (germline): Uncertain significance. Review status: criteria provided, multiple submitters, no conflicts (2 of 4 stars). 2 submissions from 2 submitters: Uncertain significance (2). Last evaluated 2025-05-20.

Conditions:
Charcot-Marie-Tooth disease type 2. Also called: Charcot-Marie-Tooth type 2. Identifiers: Orphanet 64746, MedGen C0270914, MONDO:0018993.

Allele frequency attached by ClinVar (database versions not stated): gnomAD exomes below 0.00001; gnomAD 0.00001; TOPMed 0.00002.
gnomAD v4.1: 5 of 1,614,086 alleles (0.00031%); highest among the groups gnomAD compares: African/African-American, 0.0053%; no homozygotes.

Submissions (2):

Ambry Genetics
Classification: Uncertain significance. Last evaluated: 2025-05-20. Review status: criteria provided, single submitter. Criteria: Ambry Variant Classification Scheme 2023. Collection method: clinical testing. Allele origin: germline.

Labcorp Genetics (formerly Invitae), Labcorp
Classification: Uncertain significance for Charcot-Marie-Tooth disease type 2. Last evaluated: 2022-05-28. Review status: criteria provided, single submitter. Criteria: Invitae Variant Classification Sherloc (09022015). Collection method: clinical testing. Allele origin: germline.
Comment: This sequence change replaces aspartic acid, which is acidic and polar, with glycine, which is neutral and non-polar, at codon 356 of the GARS protein (p.Asp356Gly). In summary, the available evidence is currently insufficient to determine the role of this variant in disease. Therefore, it has been classified as a Variant of Uncertain Significance. Algorithms developed to predict the effect of missense changes on protein structure and function (SIFT, PolyPhen-2, Align-GVGD) all suggest that this variant is likely to be disruptive. This variant has not been reported in the literature in individuals affected with GARS-related conditions. This variant is present in population databases (no rsID available, gnomAD 0.007%).